The following is an entry in ClinVar:

NM_003904.5(ZPR1):c.1161T>A (p.Phe387Leu)

Gene: ZPR1 (ZPR1 zinc finger; minus strand). Cytogenetic location: 11q23.3.
Variant type: single nucleotide variant.
Coding change: c.1161T>A on transcript NM_003904.5 (MANE Select); coding-DNA position 1161, T replaced by A.
Protein change: p.Phe387Leu; replaces phenylalanine 387 with leucine.
Molecular consequence: missense variant.
Genome position (GRCh38, 1-based): chr11:116,782,176, A>T on the plus strand (T>A on the coding strand, the complement: ZPR1 is on the minus strand). VCF-style: chr11-116782176-A-T. GRCh37 (hg19) VCF-style: chr11-116652892-A-T.
Other names: c.999T>A, p.Phe333Leu (NM_001317086.2); short protein forms F333L, F387L.
Identifiers: ClinVar variation 2642396 (VCV002642396.24), dbSNP rs11550892, ClinGen allele CA6288538.

ClinVar aggregate classification (germline): Likely benign (1 of 4 stars; one submission).

Allele frequency attached by ClinVar (database versions not stated): gnomAD 0.00514; ESP Exome Variant Server 0.00562; gnomAD exomes 0.00679; 1000 Genomes Project 30x 0.00047; 1000 Genomes Project 0.00060; ExAC 0.00488; TOPMed 0.00500.

Submission:

CeGaT Center for Human Genetics Tuebingen
Classification: Likely benign. Last evaluated: 2026-09-01. Review status: criteria provided, single submitter. Criteria: CeGaT Center For Human Genetics Tuebingen Variant Classification Criteria Version 2. Collection method: clinical testing. Allele origin: germline. Affected: yes. Observed: 4 variant alleles.
Comment: ZPR1: BS2